The following is an entry in ClinVar:

ClinVar aggregate classification (germline): Pathogenic (1 of 4 stars; one submission).

Conditions:
Ehlers-Danlos syndrome, dermatosparaxis type. Also called: EDS VIIC; Dermatosparaxis; Ehlers-Danlos syndrome, type VII, autosomal recessive. Identifiers: Orphanet 1901, MedGen C2700425, MONDO:0009161, OMIM 225410.

Submission:

Myriad Genetics, Inc.
Classification: Pathogenic for Ehlers-Danlos syndrome, dermatosparaxis type. Last evaluated: 2024-05-14. Review status: criteria provided, single submitter. Criteria: Myriad Autosomal Dominant, Autosomal Recessive and X-Linked Classification Criteria (2023). Collection method: clinical testing. Allele origin: unknown.
Comment: NM_014244.4(ADAMTS2):c.84_85ins14(P29Sfs*141) is expected to be pathogenic in the context of Ehlers-Danlos syndrome, ADAMTS2-related. This variant is predicted to lead to an abnormal or absent protein product due to the creation of a premature termination codon in ADAMTS2, a gene where loss-of-function variants are known to be pathogenic. Please note: this variant was assessed in the context of healthy population screening.

NM_014244.5(ADAMTS2):c.84_85insTCTCTTATACACAT (p.Pro29fs)

Gene: ADAMTS2 (ADAM metallopeptidase with thrombospondin type 1 motif 2; minus strand). Cytogenetic location: 5q35.3.
Variant type: Insertion.
Coding change: c.84_85insTCTCTTATACACAT on transcript NM_014244.5 (MANE Select); coding-DNA positions 84 to 85, TCTCTTATACACAT inserted.
Protein change: p.Pro29fs; shifts the reading frame from proline 29.
Molecular consequence: frameshift variant.
Genome position: GRCh38 VCF-style: chr5-179345244-G-GATGTGTATAAGAGA. GRCh37 (hg19) VCF-style: chr5-178772245-G-GATGTGTATAAGAGA.
Other names: c.84_85insTCTCTTATACACAT, p.Pro29fs (NM_021599.4); short protein forms P29fs.
Identifiers: ClinVar variation 5010532 (VCV005010532.1).